The following is an entry in ClinVar:

NM_006922.4(SCN3A):c.5092A>G (p.Ser1698Gly)

Gene: SCN3A (sodium voltage-gated channel alpha subunit 3; minus strand). Cytogenetic location: 2q24.3.
Variant type: single nucleotide variant.
Coding change: c.5092A>G on transcript NM_006922.4 (MANE Select); coding-DNA position 5092, A replaced by G.
Protein change: p.Ser1698Gly; replaces serine 1698 with glycine.
Molecular consequence: missense variant.
Genome position (GRCh38, 1-based): chr2:165,091,061, T>C on the plus strand (A>G on the coding strand, the complement: SCN3A is on the minus strand). VCF-style: chr2-165091061-T-C. GRCh37 (hg19) VCF-style: chr2-165947571-T-C.
Other names: c.4945A>G, p.Ser1649Gly (NM_001081676.2, NM_001081677.2); short protein forms S1649G, S1698G.
Identifiers: ClinVar variation 5000710 (VCV005000710.1).

ClinVar aggregate classification (germline): Uncertain significance (1 of 4 stars; one submission).

Conditions:
SCN3A-related disorder. Also called: SCN3A-related condition.

Submission:

PreventionGenetics, part of Exact Sciences
Classification: Uncertain significance for SCN3A-related condition. Last evaluated: 2025-03-13. Review status: criteria provided, single submitter. Criteria: ACMG Guidelines, 2015. Collection method: clinical testing. Allele origin: germline.
Comment: The SCN3A c.5092A>G variant is predicted to result in the amino acid substitution p.Ser1698Gly. To our knowledge, this variant has not been reported in the literature or in a large population database (gnomAD), indicating this variant is rare. At this time, the clinical significance of this variant is uncertain due to the absence of conclusive functional and genetic evidence.